The following is an entry in ClinVar:

NM_000209.4(PDX1):c.226G>A (p.Asp76Asn)

Gene: PDX1 (pancreatic and duodenal homeobox 1; plus strand). Cytogenetic location: 13q12.2.
Variant type: single nucleotide variant.
Coding change: c.226G>A on transcript NM_000209.4 (MANE Select); coding-DNA position 226, G replaced by A.
Protein change: p.Asp76Asn; replaces aspartic acid 76 with asparagine.
Molecular consequence: missense variant.
Genome position (GRCh38, 1-based): chr13:27,920,364, G>A. VCF-style: chr13-27920364-G-A. GRCh37 (hg19) VCF-style: chr13-28494501-G-A.
Other names: short protein forms D76N.
Identifiers: ClinVar variation 8859 (VCV000008859.37), dbSNP rs137852783, ClinGen allele CA325632.

ClinVar aggregate classification (germline): Conflicting classifications of pathogenicity. Review status: criteria provided, conflicting classifications (1 of 4 stars). 16 submissions from 15 submitters: Likely pathogenic (1); Benign (8); Likely benign (6). 1 of the submissions does not count toward it. Last evaluated 2026-01-28.

Conditions:
Monogenic diabetes. Identifiers: Orphanet 183625, MedGen C3888631, MONDO:0015967.
Maturity-onset diabetes of the young (MODY). Also called: Maturity onset diabetes mellitus in young. Identifiers: Orphanet 552, MedGen C0342276, MONDO:0018911, HP:0004904.
Diabetes mellitus type 2, susceptibility to. Identifiers: MedGen C3837967.
Maturity-onset diabetes of the young type 4 (MODY4). Also called: MODY, type IV; Maturity-onset diabetes of the young, type IV. Identifiers: Orphanet 552, MedGen C1833382, MONDO:0011667, OMIM 606392.
Type 2 diabetes mellitus. Also called: Type II diabetes mellitus. Identifiers: MedGen C0011860, MeSH D003924, MONDO:0005148, OMIM 125853, HP:0005978.

Allele frequency attached by ClinVar (database versions not stated): 1000 Genomes Project 0.00200; 1000 Genomes Project 30x 0.00203; gnomAD exomes 0.00288; gnomAD 0.00319 and 0.00320; ExAC 0.00368; TOPMed 0.00381.

Submissions (16):

Labcorp Genetics (formerly Invitae), Labcorp
Classification: Benign. Last evaluated: 2026-01-28. Review status: criteria provided, single submitter. Criteria: Invitae Variant Classification Sherloc (09022015). Collection method: clinical testing. Allele origin: germline.

ARUP Laboratories, Molecular Genetics and Genomics, ARUP Laboratories
Classification: Likely benign. Last evaluated: 2025-04-08. Review status: criteria provided, single submitter. Criteria: ARUP Molecular Germline Variant Investigation Process 2024. Collection method: clinical testing. Allele origin: germline.

Blueprint Genetics
Classification: Likely benign. Last evaluated: 2024-11-25. Review status: criteria provided, single submitter. Criteria: ACMG Guidelines, 2015. Collection method: clinical testing. Allele origin: germline.

Women's Health and Genetics/Laboratory Corporation of America, LabCorp
Classification: Likely benign. Last evaluated: 2024-04-12. Review status: criteria provided, single submitter. Criteria: LabCorp Variant Classification Summary - May 2015. Collection method: clinical testing. Allele origin: germline.
Comment: Variant summary: PDX1 c.226G>A (p.Asp76Asn) results in a conservative amino acid change in the encoded protein sequence. Four of five in-silico tools predict a benign effect of the variant on protein function. The variant allele was found at a frequency of 0.0029 in 144486 control chromosomes in the gnomAD database, including 2 homozygotes. The observed variant frequency is approximately 2303 fold of the estimated maximal expected allele frequency for a pathogenic variant in PDX1 causing Familial Monogenic Diabetes (Maturity Onset Diabetes Of The Young 4)/Neonatal Diabetes Mellitus phenotype (1.3e-06), strongly suggesting that the variant is benign. The following publications have been ascertained in the context of this evaluation (PMID: 10545531, 10720084, 10545530, 15170499). ClinVar contains an entry for this variant (Variation ID: 8859). Based on the evidence outlined above, the variant was classified as likely benign.

Athena Diagnostics
Classification: Benign. Last evaluated: 2024-03-11. Review status: criteria provided, single submitter. Criteria: Athena Diagnostics Criteria. Collection method: clinical testing. Allele origin: unknown.

Genomic Research Center, Shahid Beheshti University of Medical Sciences
Classification: Benign for Type 2 diabetes mellitus. Last evaluated: 2023-12-10. Review status: criteria provided, single submitter. Criteria: ACMG Guidelines, 2015. Collection method: clinical testing. Allele origin: inherited.

Genomic Research Center, Shahid Beheshti University of Medical Sciences
Classification: Benign for Maturity-onset diabetes of the young. Last evaluated: 2023-12-10. Review status: criteria provided, single submitter. Criteria: ACMG Guidelines, 2015. Collection method: clinical testing. Allele origin: inherited. Affected: yes.

Ambry Genetics
Classification: Likely benign for Maturity-onset diabetes of the young. Last evaluated: 2022-06-22. Review status: criteria provided, single submitter. Criteria: Ambry Variant Classification Scheme 2023. Collection method: clinical testing. Allele origin: germline.

Laboratory for Molecular Medicine, Mass General Brigham Personalized Medicine
Classification: Benign. Last evaluated: 2021-11-09. Review status: criteria provided, single submitter. Criteria: ACMG Guidelines, 2015. Collection method: clinical testing. Allele origin: germline.
Comment: The p.Asp76Asn variant in the PDX1 gene has been classified as benign because it has been identified in 0.49% (336/68440) of Northern European chromosomes, including 2 homozygotes, by gnomAD. ACMG/AMP Criteria applied: BA1.

GeneDx
Classification: Likely benign. Last evaluated: 2021-05-20. Review status: criteria provided, single submitter. Criteria: GeneDx Variant Classification Process June 2021. Collection method: clinical testing. Allele origin: germline. Affected: yes.
Comment: This variant is associated with the following publications: (PMID: 28323911, 15170499, 15277425, 19515026, 10720084, 24097065, 10545531, 10545530, 26669242)

Broad Center for Mendelian Genomics, Broad Institute of MIT and Harvard
Classification: Benign for Maturity-onset diabetes of the young type 4. Last evaluated: 2020-01-22. Review status: criteria provided, single submitter. Criteria: ACMG Guidelines, 2015. Collection method: curation. Allele origin: germline. Inheritance: Autosomal dominant inheritance.
Comment: The p.Asp76Asn variant in PDX1 (sometimes called IPF1) has been reported in at least 32 individuals with Maturity-Onset Diabetes of the Young (PMID: 15277425, 10545531, 10545530, 17592437), and has been identified in 0.4909% (336/68440) of European (non-Finnish) chromosomes, including 2 homozygotes, by the Genome Aggregation Database (gnomAD; dbSNP rs137852783). Please note that for diseases with clinical variability, or reduced penetrance, pathogenic variants may be present at a low frequency in the general population. However, this variant does not segregate with disease in many families, including sibling pairs (PMID: 10545531, 15277425). This variant has also been reported as a benign variant, likely benign variant, VUS, likely pathogenic variant, and risk factor for diabetes in ClinVar (Variation ID: 8859). In vitro functional studies provide some evidence that the p.Asp76Asn variant may slightly impact protein function, but this evidence is not conclusive (PMID: 10545531). These types of assays may not accurately represent biological function. Computational prediction tools and conservation analyses suggest that this variant may not impact the protein, though this information is not predictive enough to rule out pathogenicity. In summary, this variant meets criteria to be classified as benign for Maturity-Onset Diabetes of the Young in an autosomal dominant manner based on a higher than expected frequency in control cohorts and nonsegregation with MODY. ACMG/AMP Criteria applied: BS2, BS4, BP4 (Richards 2015).

Genetic Services Laboratory, University of Chicago
Classification: Likely benign. Last evaluated: 2020-01-08. Review status: criteria provided, single submitter. Criteria: ACMG Guidelines, 2015. Collection method: clinical testing. Allele origin: germline. Affected: no.

Personalized Diabetes Medicine Program, University of Maryland School of Medicine
Classification: Benign for Monogenic diabetes. Last evaluated: 2018-10-12. Review status: criteria provided, single submitter. Criteria: ACMG Guidelines, 2015. Collection method: research. Allele origin: unknown. Observed: 4 variant alleles, 4 heterozygotes.
Comment: ACMG criteria: BS2 (cases=controls in PMID 17592437, 21569088), BS1 (0.4% MAF in gnomAD)= benign; REVEL 0.245 +BP4/4 predictors + PP3/6 predictors: conflicting evidence, not using) OMIM suggests that it is a susceptability factor for T2DM

Biomedical Genomics and Oncogenetics Laboratory, Institut Pasteur de Tunis, University Tunis El Manar
Classification: Likely pathogenic for Maturity-onset diabetes of the young. Last evaluated: 2017-12-18. Review status: criteria provided, single submitter. Criteria: ACMG Guidelines, 2015. Collection method: research. Allele origin: germline. Affected: yes. Observed: 1 variant allele.

PreventionGenetics, part of Exact Sciences
Classification: Benign. Review status: criteria provided, single submitter. Criteria: ACMG Guidelines, 2015. Collection method: clinical testing. Allele origin: germline.

OMIM
Classification: Uncertain significance for RECLASSIFIED - VARIANT OF UNKNOWN SIGNIFICANCE. Last evaluated: 1999-11-01. Review status: no assertion criteria provided. Collection method: literature only. Allele origin: germline. Not counted in ClinVar's aggregate classification.

Literature cited by the submitters: PubMed 10545531 (cited by 5 submitters); PubMed 10720084 (cited by Women's Health and Genetics/Laboratory Corporation of America, LabCorp and Athena Diagnostics); PubMed 10545530 (cited by 4 submitters); PubMed 15170499 (cited by Women's Health and Genetics/Laboratory Corporation of America, LabCorp and Athena Diagnostics); PubMed 26058934 (cited by Athena Diagnostics); PubMed 24097065 (cited by Athena Diagnostics and Broad Center for Mendelian Genomics, Broad Institute of MIT and Harvard); PubMed 11022198 (cited by Athena Diagnostics); PubMed 11270685 (cited by Athena Diagnostics); PubMed 11315851 (cited by Athena Diagnostics); PubMed 11914043 (cited by Athena Diagnostics); PubMed 15001545 (cited by Athena Diagnostics); PubMed 15277425 (cited by Athena Diagnostics and Broad Center for Mendelian Genomics, Broad Institute of MIT and Harvard); PubMed 15754742 (cited by Athena Diagnostics); PubMed 16741735 (cited by Athena Diagnostics); PubMed 17592437 (cited by 3 submitters); PubMed 19515026 (cited by Athena Diagnostics); PubMed 21569088 (cited by 3 submitters); Hamosh, A. Personal Communication. 2024. Baltimore, Md. (cited by OMIM).